The following is an entry in ClinVar:

ClinVar aggregate classification (germline): Uncertain significance. Review status: criteria provided, multiple submitters, no conflicts (2 of 4 stars). 4 submissions from 4 submitters: Uncertain significance (4). Last evaluated 2026-05-26.

Conditions:
CACNA1D-related disorder.

Allele frequency attached by ClinVar (database versions not stated): TOPMed 0.00010; gnomAD exomes 0.00011; gnomAD 0.00013; ExAC 0.00016; ESP Exome Variant Server 0.00031.
gnomAD v4.1: 269 of 1,613,866 alleles (0.017%); highest among the groups gnomAD compares: Non-Finnish European, 0.021%; no homozygotes.

Submissions (4):

PreventionGenetics, part of Exact Sciences
Classification: Uncertain significance for CACNA1D-related condition. Last evaluated: 2026-05-26. Review status: criteria provided, single submitter. Criteria: ACMG Guidelines, 2015. Collection method: clinical testing. Allele origin: germline.
Comment: The CACNA1D c.1389T>G variant is predicted to result in the amino acid substitution p.Asn463Lys. To our knowledge, this variant has not been reported in the literature. This variant is reported in 0.022% of alleles in individuals of European (Non-Finnish) descent in gnomAD. At this time, the clinical significance of this variant is uncertain due to the absence of conclusive functional and genetic evidence.

Labcorp Genetics (formerly Invitae), Labcorp
Classification: Uncertain significance. Last evaluated: 2025-09-20. Review status: criteria provided, single submitter. Criteria: Invitae Variant Classification Sherloc (09022015). Collection method: clinical testing. Allele origin: germline.
Comment: This sequence change replaces asparagine, which is neutral and polar, with lysine, which is basic and polar, at codon 463 of the CACNA1D protein (p.Asn463Lys). This variant is present in population databases (rs150652713, gnomAD 0.02%). This variant has not been reported in the literature in individuals affected with CACNA1D-related conditions. ClinVar contains an entry for this variant (Variation ID: 504802). An algorithm developed to predict the effect of missense changes on protein structure and function (PolyPhen-2) suggests that this variant is likely to be tolerated. In summary, the available evidence is currently insufficient to determine the role of this variant in disease. Therefore, it has been classified as a Variant of Uncertain Significance.

GeneDx
Classification: Uncertain significance. Last evaluated: 2023-03-20. Review status: criteria provided, single submitter. Criteria: GeneDx Variant Classification Process June 2021. Collection method: clinical testing. Allele origin: germline.
Comment: In silico analysis supports that this missense variant has a deleterious effect on protein structure/function; Has not been previously published as pathogenic or benign to our knowledge

Laboratory for Molecular Medicine, Mass General Brigham Personalized Medicine
Classification: Uncertain significance. Last evaluated: 2017-06-06. Review status: criteria provided, single submitter. Criteria: LMM Criteria. Collection method: clinical testing. Allele origin: germline. Observed: 1 variant allele.
Comment: The p.Asn463Lys variant in CACNA1D has not been previously reported in individua ls with hearing loss, but has been identified in 29/126606 European chromosomes by the Genome Aggregation Database (gnomAD; db SNP rs150652713). This variant is located in the last three bases of the exon, w hich is part of the 5? splice region; however computational tools do not predict altered splicing. Computational prediction tools and conservation analysis sugg est that the amino acid change may not impact the protein. However, these tools are not predictive enough to rule out pathogenicity. In summary, the clinical si gnificance of the p.Asn463Lys variant is uncertain.

NM_001128840.3(CACNA1D):c.1389T>G (p.Asn463Lys)

Gene: CACNA1D (calcium voltage-gated channel subunit alpha1 D; plus strand). Cytogenetic location: 3p21.1.
Variant type: single nucleotide variant.
Coding change: c.1389T>G on transcript NM_001128840.3 (MANE Select); coding-DNA position 1389, T replaced by G.
Protein change: p.Asn463Lys; replaces asparagine 463 with lysine.
Molecular consequence: missense variant.
Genome position (GRCh38, 1-based): chr3:53,702,809, T>G. VCF-style: chr3-53702809-T-G. GRCh37 (hg19) VCF-style: chr3-53736836-T-G.
Other names: c.1389T>G (NM_000720.3); c.1389T>G, p.Asn463Lys (NM_000720.4, NM_001128839.3); short protein forms N463K.
Identifiers: ClinVar variation 504802 (VCV000504802.11), dbSNP rs150652713, ClinGen allele CA2453903.